The following is an entry in ClinVar:

NM_000535.7(PMS2):c.1707delinsAA (p.Asn570fs)

Gene: PMS2 (PMS1 homolog 2, mismatch repair system component; minus strand). Cytogenetic location: 7p22.1.
Variant type: Indel.
Coding change: c.1707delinsAA on transcript NM_000535.7 (MANE Select); coding-DNA position 1707, T replaced by AA.
Protein change: p.Asn570fs; shifts the reading frame from asparagine 570.
Molecular consequence: frameshift variant. On other transcripts: non-coding transcript variant (1).
Genome position (GRCh38, 1-based): chr7:5,987,058, A replaced by TT on the plus strand (T replaced by AA on the coding strand, the reverse complement: PMS2 is on the minus strand). VCF-style: chr7-5987058-A-TT. GRCh37 (hg19) VCF-style: chr7-6026689-A-TT.
Other names: c.1302delTinsAA, p.Asn435Lysfs (NM_001018040.1, NM_001406887.1, NM_001406888.1 and 13 more transcripts); c.1302delinsAA, p.Asn435fs (NM_001322003.2, NM_001322004.2, NM_001322005.2 and 1 more transcripts); c.1551delinsAA, p.Asn518fs (NM_001322006.2); c.1389delinsAA, p.Asn464fs (NM_001322007.2, NM_001322008.2); c.1146delinsAA, p.Asn383fs (NM_001322010.2); c.774delinsAA, p.Asn259fs (NM_001322011.2, NM_001322012.2); c.1134delinsAA, p.Asn379fs (NM_001322013.2); c.1707delinsAA, p.Asn570fs (NM_001322014.2); and 19 more; short protein forms N435fs, N570fs, N467fs, N518fs, N259fs, N379fs, N383fs, N464fs.
Identifiers: ClinVar variation 1778480 (VCV001778480.4), dbSNP rs2535746483, ClinGen allele CA2580076896.

ClinVar aggregate classification (germline): Pathogenic. Review status: criteria provided, multiple submitters, no conflicts (2 of 4 stars). 2 submissions from 2 submitters: Pathogenic (2). Last evaluated 2025-11-07.

Conditions:
Hereditary cancer-predisposing syndrome. Also called: Neoplastic Syndromes, Hereditary; Tumor predisposition; Hereditary Cancer Syndrome; Hereditary neoplastic syndrome. Identifiers: Orphanet 140162, MedGen C0027672, MeSH D009386, MONDO:0015356.
Lynch syndrome 4 (LYNCH4). Also called: Colorectal cancer, hereditary nonpolyposis, type 4; Hereditary non-polyposis colorectal cancer, type 4. Identifiers: Orphanet 144, MedGen C1838333, MONDO:0013699, OMIM 614337. Disease mechanism: loss of function.

Submissions (2):

Ambry Genetics
Classification: Pathogenic for Hereditary cancer-predisposing syndrome. Last evaluated: 2025-11-07. Review status: criteria provided, single submitter. Criteria: Ambry Variant Classification Scheme 2023. Collection method: clinical testing. Allele origin: germline.
Comment: The c.1707delTinsAA pathogenic mutation, located in coding exon 11 of the PMS2 gene, results from the deletion of one nucleotide and insertion of two nucleotides causing a translational frameshift with a predicted alternate stop codon (p.N570Kfs*11). This variant is considered to be rare based on population cohorts in the Genome Aggregation Database (gnomAD). This alteration is expected to result in loss of function by premature protein truncation or nonsense-mediated mRNA decay. As such, this alteration is interpreted as a disease-causing mutation.

Myriad Genetics, Inc.
Classification: Pathogenic for Lynch syndrome 4. Last evaluated: 2023-09-20. Review status: criteria provided, single submitter. Criteria: Myriad Autosomal Dominant, Autosomal Recessive and X-Linked Classification Criteria (2023). Collection method: clinical testing. Allele origin: unknown.
Comment: This variant is considered pathogenic. This variant creates a frameshift predicted to result in premature protein truncation.